The following is an entry in ClinVar:

NM_000834.5(GRIN2B):c.4335C>T (p.Asp1445=)

Gene: GRIN2B (glutamate ionotropic receptor NMDA type subunit 2B; minus strand). Cytogenetic location: 12p13.1.
Variant type: single nucleotide variant.
Coding change: c.4335C>T on transcript NM_000834.5 (MANE Select); coding-DNA position 4335, C replaced by T.
Protein change: p.Asp1445=; no amino-acid change (aspartic acid 1445 retained).
Molecular consequence: synonymous variant.
Genome position (GRCh38, 1-based): chr12:13,562,903, G>A on the plus strand (C>T on the coding strand, the complement: GRIN2B is on the minus strand). VCF-style: chr12-13562903-G-A. GRCh37 (hg19) VCF-style: chr12-13715837-G-A.
Other names: c.4335C>T, p.Asp1445= (NM_001413992.1).
Identifiers: ClinVar variation 3367691 (VCV003367691.1).

ClinVar aggregate classification (germline): Uncertain significance (1 of 4 stars; one submission).

Submission:

GeneDx
Classification: Uncertain significance. Last evaluated: 2024-01-11. Review status: criteria provided, single submitter. Criteria: GeneDx Variant Classification Process June 2021. Collection method: clinical testing. Allele origin: germline. Affected: yes.
Comment: Not observed at significant frequency in large population cohorts (gnomAD); In silico analysis supports that this variant does not alter splicing; Has not been previously published as pathogenic or benign to our knowledge